The following is an entry in ClinVar:

ClinVar aggregate classification (germline): Uncertain significance (1 of 4 stars; one submission).

Conditions:
Saldino-Mainzer syndrome (SRTD9). Also called: CONORENAL SYNDROME; Renal dysplasia, retinal pigmentary dystrophy, cerebellar ataxia and skeletal dysplasia; SHORT-RIB THORACIC DYSPLASIA 9 WITHOUT POLYDACTYLY; short-rib thoracic dysplasia 9 with or without polydactyly. Identifiers: Orphanet 140969, MedGen C1849437, MONDO:0009964, OMIM 266920.

Allele frequency attached by ClinVar (database versions not stated): gnomAD 0.00001.
gnomAD v4.1: 7 of 1,614,040 alleles (0.00043%); highest among the groups gnomAD compares: Non-Finnish European, 0.00059%; no homozygotes.

Submission:

Labcorp Genetics (formerly Invitae), Labcorp
Classification: Uncertain significance for Saldino-Mainzer syndrome. Last evaluated: 2025-07-15. Review status: criteria provided, single submitter. Criteria: Invitae Variant Classification Sherloc (09022015). Collection method: clinical testing. Allele origin: germline.
Comment: This sequence change replaces valine, which is neutral and non-polar, with alanine, which is neutral and non-polar, at codon 247 of the IFT140 protein (p.Val247Ala). This variant is not present in population databases (gnomAD no frequency). This variant has not been reported in the literature in individuals affected with IFT140-related conditions. ClinVar contains an entry for this variant (Variation ID: 1345732). Invitae Evidence Modeling of protein sequence and biophysical properties (such as structural, functional, and spatial information, amino acid conservation, physicochemical variation, residue mobility, and thermodynamic stability) indicates that this missense variant is not expected to disrupt IFT140 protein function with a negative predictive value of 95%. In summary, the available evidence is currently insufficient to determine the role of this variant in disease. Therefore, it has been classified as a Variant of Uncertain Significance.

NM_014714.4(IFT140):c.740T>C (p.Val247Ala)

Genes: IFT140 (intraflagellar transport 140; minus strand), LOC105371046 (uncharacterized LOC105371046; plus strand). Cytogenetic location: 16p13.3.
Variant type: single nucleotide variant.
Coding change: c.740T>C on transcript NM_014714.4 (MANE Select); coding-DNA position 740, T replaced by C.
Protein change: p.Val247Ala; replaces valine 247 with alanine.
Molecular consequence: missense variant.
Genome position (GRCh38, 1-based): chr16:1,589,675, A>G on the plus strand (T>C on the coding strand, the complement: IFT140 is on the minus strand). VCF-style: chr16-1589675-A-G. GRCh37 (hg19) VCF-style: chr16-1639676-A-G.
Other names: short protein forms V247A.
Identifiers: ClinVar variation 1345732 (VCV001345732.8), dbSNP rs1231656459, ClinGen allele CA394218442.